The following is an entry in ClinVar:

ClinVar aggregate classification (germline): Uncertain significance (1 of 4 stars; one submission).

Submission:

Labcorp Genetics (formerly Invitae), Labcorp
Classification: Uncertain significance. Last evaluated: 2023-07-03. Review status: criteria provided, single submitter. Criteria: Invitae Variant Classification Sherloc (09022015). Collection method: clinical testing. Allele origin: germline.
Comment: This sequence change replaces phenylalanine, which is neutral and non-polar, with leucine, which is neutral and non-polar, at codon 2440 of the EYS protein (p.Phe2440Leu). This variant is not present in population databases (gnomAD no frequency). This variant has not been reported in the literature in individuals affected with EYS-related conditions. ClinVar contains an entry for this variant (Variation ID: 2010078). Advanced modeling of protein sequence and biophysical properties (such as structural, functional, and spatial information, amino acid conservation, physicochemical variation, residue mobility, and thermodynamic stability) has been performed at Invitae for this missense variant, however the output from this modeling did not meet the statistical confidence thresholds required to predict the impact of this variant on EYS protein function. In summary, the available evidence is currently insufficient to determine the role of this variant in disease. Therefore, it has been classified as a Variant of Uncertain Significance.

NM_001142800.2(EYS):c.7318T>C (p.Phe2440Leu)

Gene: EYS (EGF-like photoreceptor maintenance factor; minus strand). Cytogenetic location: 6q12.
Variant type: single nucleotide variant.
Coding change: c.7318T>C on transcript NM_001142800.2 (MANE Select); coding-DNA position 7318, T replaced by C.
Protein change: p.Phe2440Leu; replaces phenylalanine 2440 with leucine.
Molecular consequence: missense variant.
Genome position (GRCh38, 1-based): chr6:63,806,283, A>G on the plus strand (T>C on the coding strand, the complement: EYS is on the minus strand). VCF-style: chr6-63806283-A-G. GRCh37 (hg19) VCF-style: chr6-64516176-A-G.
Other names: c.7318T>C, p.Phe2440Leu (NM_001292009.2); short protein forms F2440L.
Identifiers: ClinVar variation 2010078 (VCV002010078.4), dbSNP rs2533574120, ClinGen allele CA364387807.